The following is an entry in ClinVar:

NM_001365902.3(NFIX):c.1113C>T (p.Phe371=)

Gene: NFIX (nuclear factor I X; plus strand). Cytogenetic location: 19p13.13.
Variant type: single nucleotide variant.
Coding change: c.1113C>T on transcript NM_001365902.3 (MANE Select); coding-DNA position 1113, C replaced by T.
Protein change: p.Phe371=; no amino-acid change (phenylalanine 371 retained).
Molecular consequence: synonymous variant.
Genome position (GRCh38, 1-based): chr19:13,081,714, C>T. VCF-style: chr19-13081714-C-T. GRCh37 (hg19) VCF-style: chr19-13192528-C-T.
Other names: c.1137C>T, p.Phe379= (NM_001271043.2); c.1089C>T, p.Phe363= (NM_001271044.3, NM_001378404.1); c.990C>T, p.Phe330= (NM_001365982.2); c.972C>T, p.Phe324= (NM_001365983.2); c.1110C>T, p.Phe370= (NM_001365984.2, NM_001365985.2); c.1161C>T, p.Phe387= (NM_001378405.1); c.1113C>T, p.Phe371= (NM_002501.4).
Identifiers: ClinVar variation 3257542 (VCV003257542.17).

ClinVar aggregate classification (germline): Likely benign (1 of 4 stars; one submission).

Submission:

CeGaT Center for Human Genetics Tuebingen
Classification: Likely benign. Last evaluated: 2024-07-01. Review status: criteria provided, single submitter. Criteria: CeGaT Center For Human Genetics Tuebingen Variant Classification Criteria Version 2. Collection method: clinical testing. Allele origin: germline. Affected: yes. Observed: 1 variant allele.
Comment: NFIX: BP4, BP7